The following is an entry in ClinVar:

ClinVar aggregate classification (germline): Uncertain significance (1 of 4 stars; one submission).

Conditions:
Lethal congenital contracture syndrome 8 (LCCS8). Identifiers: MedGen C4225385, MONDO:0014570, OMIM 616287.

Submission:

Centre for Mendelian Genomics, University Medical Centre Ljubljana
Classification: Uncertain significance for Lethal congenital contracture syndrome 8. Last evaluated: 2019-08-14. Review status: criteria provided, single submitter. Criteria: ACMG Guidelines, 2015. Collection method: clinical testing. Allele origin: unknown. Affected: yes.
Comment: This variant was classified as: Uncertain significance. The available evidence on this variant's pathogenicity is insufficient or conflicting. The following ACMG criteria were applied in classifying this variant: PM2,PP3.

NM_015270.5(ADCY6):c.1027C>G (p.Leu343Val)

Gene: ADCY6 (adenylate cyclase 6; minus strand). Cytogenetic location: 12q13.12.
Variant type: single nucleotide variant.
Coding change: c.1027C>G on transcript NM_015270.5 (MANE Select); coding-DNA position 1027, C replaced by G.
Protein change: p.Leu343Val; replaces leucine 343 with valine.
Molecular consequence: missense variant.
Genome position (GRCh38, 1-based): chr12:48,777,724, G>C on the plus strand (C>G on the coding strand, the complement: ADCY6 is on the minus strand). VCF-style: chr12-48777724-G-C. GRCh37 (hg19) VCF-style: chr12-49171507-G-C.
Other names: short protein forms L343V.
Identifiers: ClinVar variation 931553 (VCV000931553.3), dbSNP rs1941741272, ClinGen allele CA384624444.